The following is an entry in ClinVar:

NM_007259.5(VPS45):c.821A>G (p.Asn274Ser)

Gene: VPS45 (vacuolar protein sorting 45 homolog; plus strand). Cytogenetic location: 1q21.2.
Variant type: single nucleotide variant.
Coding change: c.821A>G on transcript NM_007259.5 (MANE Select); coding-DNA position 821, A replaced by G.
Protein change: p.Asn274Ser; replaces asparagine 274 with serine.
Molecular consequence: missense variant. On other transcripts: non-coding transcript variant (1).
Genome position (GRCh38, 1-based): chr1:150,081,475, A>G. VCF-style: chr1-150081475-A-G. GRCh37 (hg19) VCF-style: chr1-150053557-A-G.
Other names: c.506A>G, p.Asn169Ser (NM_001279353.2); c.713A>G, p.Asn238Ser (NM_001279354.2); short protein forms N238S, N169S, N274S.
Identifiers: ClinVar variation 1514881 (VCV001514881.8), dbSNP rs2101534429, ClinGen allele CA342250734.

ClinVar aggregate classification (germline): Uncertain significance (1 of 4 stars; one submission).

Conditions:
Congenital neutropenia-myelofibrosis-nephromegaly syndrome. Also called: Severe congenital neutropenia 5, autosomal recessive. Identifiers: Orphanet 369852, MedGen C3809031, MONDO:0014118, OMIM 615285.

Allele frequency attached by ClinVar (database versions not stated): gnomAD exomes below 0.00001.
gnomAD v4.1: 1 of 1,595,302 alleles (0.000063%); highest among the groups gnomAD compares: Non-Finnish European, 0.000085%; no homozygotes.

Submission:

Labcorp Genetics (formerly Invitae), Labcorp
Classification: Uncertain significance for Congenital neutropenia-myelofibrosis-nephromegaly syndrome. Last evaluated: 2021-06-22. Review status: criteria provided, single submitter. Criteria: Invitae Variant Classification Sherloc (09022015). Collection method: clinical testing. Allele origin: germline.
Comment: In summary, the available evidence is currently insufficient to determine the role of this variant in disease. Therefore, it has been classified as a Variant of Uncertain Significance. Algorithms developed to predict the effect of sequence changes on RNA splicing suggest that this variant may disrupt the consensus splice site, but this prediction has not been confirmed by published transcriptional studies. Algorithms developed to predict the effect of missense changes on protein structure and function (SIFT, PolyPhen-2, Align-GVGD) all suggest that this variant is likely to be tolerated, but these predictions have not been confirmed by published functional studies and their clinical significance is uncertain. This variant has not been reported in the literature in individuals with VPS45-related conditions. This variant is not present in population databases (ExAC no frequency). This sequence change replaces asparagine with serine at codon 274 of the VPS45 protein (p.Asn274Ser). The asparagine residue is moderately conserved and there is a small physicochemical difference between asparagine and serine.